The following is an entry in ClinVar:

ClinVar aggregate classification (germline): Benign (1 of 4 stars; one submission).

Submission:

Women's Health and Genetics/Laboratory Corporation of America, LabCorp
Classification: Benign. Last evaluated: 2025-04-25. Review status: criteria provided, single submitter. Criteria: LabCorp Variant Classification Summary - May 2015. Collection method: clinical testing. Allele origin: germline.
Comment: Variant summary: JAK3 c.3096+85delC is located at a position not widely known to affect splicing. Consensus agreement among computation tools predict no significant impact on normal splicing. However, these predictions have yet to be confirmed by functional studies. The variant allele was found at a frequency of 0.0018 in 31354 control chromosomes in the gnomAD database, including 1 homozygote. The observed variant frequency is approximately 1.88 fold of the estimated maximal expected allele frequency for a pathogenic variant in JAK3 causing Severe Combined Immunodeficiency phenotype (0.00094). To our knowledge, no occurrence of c.3096+85delC in individuals affected with Severe Combined Immunodeficiency and no experimental evidence demonstrating its impact on protein function have been reported. No submitters have cited clinical-significance assessments for this variant to ClinVar. Based on the evidence outlined above, the variant was classified as benign.

NM_000215.4(JAK3):c.3096+85del

Gene: JAK3 (Janus kinase 3; minus strand). Cytogenetic location: 19p13.11.
Variant type: Deletion.
Coding change: c.3096+85del on transcript NM_000215.4 (MANE Select); 85 bases into the intron after coding-DNA position 3096, one base deleted (C; older notation c.3096+85delC).
Molecular consequence: intron variant.
Genome position (GRCh38, 1-based): chr19:17,830,418, G deleted on the plus strand (C on the coding strand, the reverse complement: JAK3 is on the minus strand); the first of 3 consecutive G bases (chr19:17,830,418-17,830,420); deleting any one gives the same sequence. VCF-style (leftmost placement, unchanged base first): chr19-17830417-AG-A. GRCh37 (hg19) VCF-style: chr19-17941226-AG-A.
Other names: c.3096+85delC (NM_000215.4).
Identifiers: ClinVar variation 3896636 (VCV003896636.2).
Genomic context (GRCh38, chr19:17,830,417, plus strand): 5'-GAGGAAGCGTCCTCCCCACTGGGGCCTATGATGCTGGGACCAGGTGACCCCATGCTAAAG[AG>A]GGACGCAGGCGCAGACAGGTTGGAGATTGGCCACGAGGGGCGTGGAGGGAGAAGAAGGCT-3'